The following is an entry in ClinVar:

ClinVar aggregate classification (germline): Uncertain significance. Review status: criteria provided, multiple submitters, no conflicts (2 of 4 stars). 2 submissions from 2 submitters: Uncertain significance (2). Last evaluated 2022-11-01.

Conditions:
Leukodystrophy, hypomyelinating, 14. Identifiers: MedGen C4693535, MONDO:0033486, OMIM 617899.

Submissions (2):

Labcorp Genetics (formerly Invitae), Labcorp
Classification: Uncertain significance. Last evaluated: 2022-11-01. Review status: criteria provided, single submitter. Criteria: Invitae Variant Classification Sherloc (09022015). Collection method: clinical testing. Allele origin: germline.
Comment: In summary, the available evidence is currently insufficient to determine the role of this variant in disease. Therefore, it has been classified as a Variant of Uncertain Significance. Algorithms developed to predict the effect of missense changes on protein structure and function (SIFT, PolyPhen-2, Align-GVGD) all suggest that this variant is likely to be disruptive. ClinVar contains an entry for this variant (Variation ID: 1027884). This variant has not been reported in the literature in individuals affected with UFM1-related conditions. This variant is not present in population databases (gnomAD no frequency). This sequence change replaces serine, which is neutral and polar, with asparagine, which is neutral and polar, at codon 65 of the UFM1 protein (p.Ser65Asn).

Baylor Genetics
Classification: Uncertain significance for Leukodystrophy, hypomyelinating, 14. Last evaluated: 2020-08-21. Review status: criteria provided, single submitter. Criteria: ACMG Guidelines, 2015. Collection method: clinical testing. Allele origin: unknown. Affected: yes.
Comment: This variant was determined to be of uncertain significance according to ACMG Guidelines, 2015 [PMID:25741868].

NM_016617.4(UFM1):c.140G>A (p.Ser47Asn)

Gene: UFM1 (ubiquitin fold modifier 1; plus strand). Cytogenetic location: 13q13.3.
Variant type: single nucleotide variant.
Coding change: c.140G>A on transcript NM_016617.4 (MANE Select); coding-DNA position 140, G replaced by A.
Protein change: p.Ser47Asn; replaces serine 47 with asparagine.
Molecular consequence: missense variant. On other transcripts: non-coding transcript variant (1).
Genome position (GRCh38, 1-based): chr13:38,358,115, G>A. VCF-style: chr13-38358115-G-A. GRCh37 (hg19) VCF-style: chr13-38932252-G-A.
Other names: c.134G>A, p.Ser45Asn (NM_001286703.2); c.194G>A, p.Ser65Asn (NM_001286704.2); c.140G>A, p.Ser47Asn (NM_001286705.2, NM_001286706.2); short protein forms S47N, S65N, S45N.
Identifiers: ClinVar variation 1027884 (VCV001027884.8), dbSNP rs1879200093, ClinGen allele CA387998006.